The following is an entry in ClinVar:

ClinVar aggregate classification (germline): Uncertain significance. Review status: criteria provided, multiple submitters, no conflicts (2 of 4 stars). 3 submissions from 3 submitters: Uncertain significance (3). Last evaluated 2023-12-27.

Conditions:
Autosomal recessive hypophosphatemic bone disease (HHRH). Also called: Hypophosphatemic rickets with hypercalciuria; HYPERCALCIURIC RICKETS. Identifiers: Orphanet 157215, MedGen C1853271, MONDO:0009431, OMIM 241530.

Allele frequency attached by ClinVar (database versions not stated): gnomAD 0.00002 and 0.00003; TOPMed 0.00002; gnomAD exomes 0.00003; ExAC 0.00004; ESP Exome Variant Server 0.00008.
gnomAD v4.1: 59 of 1,604,404 alleles (0.0037%); highest among the groups gnomAD compares: Admixed American, 0.015%; no homozygotes.

Submissions (3):

Fulgent Genetics
Classification: Uncertain significance for Autosomal recessive hypophosphatemic bone disease. Last evaluated: 2023-12-27. Review status: criteria provided, single submitter. Criteria: ACMG Guidelines, 2015. Collection method: clinical testing. Allele origin: germline.

Blueprint Genetics
Classification: Uncertain significance. Last evaluated: 2023-11-10. Review status: criteria provided, single submitter. Criteria: ACMG Guidelines, 2015. Collection method: clinical testing. Allele origin: germline.

Labcorp Genetics (formerly Invitae), Labcorp
Classification: Uncertain significance. Last evaluated: 2022-07-19. Review status: criteria provided, single submitter. Criteria: Invitae Variant Classification Sherloc (09022015). Collection method: clinical testing. Allele origin: germline.
Comment: This sequence change replaces glycine, which is neutral and non-polar, with serine, which is neutral and polar, at codon 330 of the SLC34A3 protein (p.Gly330Ser). This variant is present in population databases (rs369211663, gnomAD 0.01%). This variant has not been reported in the literature in individuals affected with SLC34A3-related conditions. ClinVar contains an entry for this variant (Variation ID: 1521563). Algorithms developed to predict the effect of missense changes on protein structure and function (SIFT, PolyPhen-2, Align-GVGD) all suggest that this variant is likely to be tolerated. Algorithms developed to predict the effect of sequence changes on RNA splicing suggest that this variant may create or strengthen a splice site. In summary, the available evidence is currently insufficient to determine the role of this variant in disease. Therefore, it has been classified as a Variant of Uncertain Significance.

NM_001177316.2(SLC34A3):c.988G>A (p.Gly330Ser)

Gene: SLC34A3 (solute carrier family 34 member 3; plus strand). Cytogenetic location: 9q34.3.
Variant type: single nucleotide variant.
Coding change: c.988G>A on transcript NM_001177316.2 (MANE Select); coding-DNA position 988, G replaced by A.
Protein change: p.Gly330Ser; replaces glycine 330 with serine.
Molecular consequence: missense variant.
Genome position (GRCh38, 1-based): chr9:137,234,171, G>A. VCF-style: chr9-137234171-G-A. GRCh37 (hg19) VCF-style: chr9-140128623-G-A.
Other names: c.988G>A, p.Gly330Ser (NM_001177317.2, NM_080877.3); short protein forms G330S.
Identifiers: ClinVar variation 1521563 (VCV001521563.8), dbSNP rs369211663, ClinGen allele CA5364718.